The following is an entry in ClinVar:

ClinVar aggregate classification (germline): Benign/Likely benign. Review status: criteria provided, multiple submitters, no conflicts (2 of 4 stars). 3 submissions from 3 submitters: Benign (1); Likely benign (2). Last evaluated 2024-07-30.

Conditions:
Familial cancer of breast. Also called: BREAST CANCER, FAMILIAL; hereditary breast carcinoma; Hereditary breast cancer. Identifiers: Orphanet 227535, MedGen C0346153, MONDO:0016419, OMIM 114480. Disease mechanism: loss of function.
Hereditary cancer-predisposing syndrome. Also called: Tumor predisposition; Neoplastic Syndromes, Hereditary; Hereditary Cancer Syndrome; Hereditary neoplastic syndrome. Identifiers: Orphanet 140162, MedGen C0027672, MeSH D009386, MONDO:0015356.

Submissions (3):

Myriad Genetics, Inc.
Classification: Benign for Familial cancer of breast. Last evaluated: 2024-07-30. Review status: criteria provided, single submitter. Criteria: Myriad Autosomal Dominant, Autosomal Recessive and X-Linked Classification Criteria (2023). Collection method: clinical testing. Allele origin: unknown.
Comment: This variant is considered benign. This variant is a silent/synonymous amino acid change and it is not expected to impact splicing.

Labcorp Genetics (formerly Invitae), Labcorp
Classification: Likely benign for Familial cancer of breast. Last evaluated: 2024-06-16. Review status: criteria provided, single submitter. Criteria: Invitae Variant Classification Sherloc (09022015). Collection method: clinical testing. Allele origin: germline.

Ambry Genetics
Classification: Likely benign for Hereditary cancer-predisposing syndrome. Last evaluated: 2015-11-20. Review status: criteria provided, single submitter. Criteria: Ambry Variant Classification Scheme 2023. Collection method: clinical testing. Allele origin: germline.

NM_000465.4(BARD1):c.2184T>G (p.Ser728=)

Gene: BARD1 (BRCA1 associated RING domain 1; minus strand). Cytogenetic location: 2q35.
Variant type: single nucleotide variant.
Coding change: c.2184T>G on transcript NM_000465.4 (MANE Select); coding-DNA position 2184, T replaced by G.
Protein change: p.Ser728=; no amino-acid change (serine 728 retained).
Molecular consequence: synonymous variant. On other transcripts: non-coding transcript variant (3).
Genome position (GRCh38, 1-based): chr2:214,728,826, A>C on the plus strand (T>G on the coding strand, the complement: BARD1 is on the minus strand). VCF-style: chr2-214728826-A-C. GRCh37 (hg19) VCF-style: chr2-215593550-A-C.
Other names: c.2127T>G, p.Ser709= (NM_001282543.2); c.831T>G, p.Ser277= (NM_001282545.2); c.774T>G, p.Ser258= (NM_001282548.2); c.645T>G, p.Ser215= (NM_001282549.2).
Identifiers: ClinVar variation 764084 (VCV000764084.15), dbSNP rs1559372027, ClinGen allele CA431392645.